The following is an entry in ClinVar:

ClinVar aggregate classification (germline): Pathogenic (1 of 4 stars; one submission).

Conditions:
Familial cancer of breast. Also called: BREAST CANCER, FAMILIAL; hereditary breast carcinoma; Hereditary breast cancer. Identifiers: Orphanet 227535, MedGen C0346153, MONDO:0016419, OMIM 114480. Disease mechanism: loss of function.
Fanconi anemia complementation group J. Also called: BRIP1-Related Fanconi Anemia. Identifiers: Orphanet 84, MedGen C1836860, MONDO:0012187, OMIM 609054.

Submission:

Labcorp Genetics (formerly Invitae), Labcorp
Classification: Pathogenic for Familial cancer of breast; Fanconi anemia complementation group J. Last evaluated: 2022-07-19. Review status: criteria provided, single submitter. Criteria: Invitae Variant Classification Sherloc (09022015). Collection method: clinical testing. Allele origin: germline.
Comment: This variant results in the deletion of exon(s) 1-10 and part of exon 11 (c.-306_1541del) of the BRIP1 gene. It is expected to result in an absent or disrupted protein product. Loss-of-function variants in BRIP1 are known to be pathogenic (PMID: 16116423, 17033622, 21964575). This variant has not been reported in the literature in individuals affected with BRIP1-related conditions. For these reasons, this variant has been classified as Pathogenic.

Literature cited by the submitters: PubMed 16116423; PubMed 17033622; PubMed 21964575.

NC_000017.10:g.(?_59861718)_(59940920_?)del

Gene: BRIP1 (BRCA1 interacting DNA helicase 1; minus strand). Cytogenetic location: 17q23.2.
Variant type: Deletion.
Identifiers: ClinVar variation 2427000 (VCV002427000.4).